The following is an entry in ClinVar:

NM_024529.5(CDC73):c.365C>G (p.Thr122Ser)

Gene: CDC73 (cell division cycle 73; plus strand). Cytogenetic location: 1q31.2.
Variant type: single nucleotide variant.
Coding change: c.365C>G on transcript NM_024529.5 (MANE Select); coding-DNA position 365, C replaced by G.
Protein change: p.Thr122Ser; replaces threonine 122 with serine.
Molecular consequence: missense variant.
Genome position (GRCh38, 1-based): chr1:193,135,448, C>G. VCF-style: chr1-193135448-C-G. GRCh37 (hg19) VCF-style: chr1-193104578-C-G.
Other names: short protein forms T122S.
Identifiers: ClinVar variation 1733661 (VCV001733661.2), dbSNP rs2527311964, ClinGen allele CA343960518.

ClinVar aggregate classification (germline): Uncertain significance (1 of 4 stars; one submission).

Conditions:
Hereditary cancer-predisposing syndrome. Also called: Neoplastic Syndromes, Hereditary; Tumor predisposition; Hereditary Cancer Syndrome; Hereditary neoplastic syndrome. Identifiers: Orphanet 140162, MedGen C0027672, MeSH D009386, MONDO:0015356.

Submission:

Ambry Genetics
Classification: Uncertain significance for Hereditary cancer-predisposing syndrome. Last evaluated: 2022-06-04. Review status: criteria provided, single submitter. Criteria: Ambry Variant Classification Scheme 2023. Collection method: clinical testing. Allele origin: germline.
Comment: The p.T122S variant (also known as c.365C>G), located in coding exon 4 of the CDC73 gene, results from a C to G substitution at nucleotide position 365. The threonine at codon 122 is replaced by serine, an amino acid with similar properties. This amino acid position is conserved. In addition, this alteration is predicted to be tolerated by in silico analysis. Since supporting evidence is limited at this time, the clinical significance of this alteration remains unclear.